The following is an entry in ClinVar:

ClinVar aggregate classification (germline): Conflicting classifications of pathogenicity. Review status: criteria provided, conflicting classifications (1 of 4 stars). 2 submissions from 2 submitters: Uncertain significance (1); Likely benign (1). Last evaluated 2023-01-01.

Allele frequency attached by ClinVar (database versions not stated): 1000 Genomes Project 30x 0.00156; 1000 Genomes Project 0.00180; ExAC 0.00259; TOPMed 0.00331; gnomAD 0.00344; gnomAD exomes 0.00486.
gnomAD v4.1: 7,280 of 1,547,202 alleles (0.47%); highest among the groups gnomAD compares: Non-Finnish European, 0.55%; 23 homozygotes.

Submissions (2):

CeGaT Center for Human Genetics Tuebingen
Classification: Likely benign. Last evaluated: 2023-01-01. Review status: criteria provided, single submitter. Criteria: CeGaT Center For Human Genetics Tuebingen Variant Classification Criteria Version 2. Collection method: clinical testing. Allele origin: germline. Affected: yes. Observed: 1 variant allele.
Comment: NACAD: BP4, BS2

Ambry Genetics
Classification: Uncertain significance. Last evaluated: 2021-08-13. Review status: criteria provided, single submitter. Criteria: Ambry Variant Classification Scheme 2023. Collection method: clinical testing. Allele origin: germline.

NM_001146334.2(NACAD):c.311C>T (p.Ala104Val)

Gene: NACAD (NAC alpha domain containing; minus strand). Cytogenetic location: 7p13.
Variant type: single nucleotide variant.
Coding change: c.311C>T on transcript NM_001146334.2 (MANE Select); coding-DNA position 311, C replaced by T.
Protein change: p.Ala104Val; replaces alanine 104 with valine.
Molecular consequence: missense variant.
Genome position (GRCh38, 1-based): chr7:45,085,869, G>A on the plus strand (C>T on the coding strand, the complement: NACAD is on the minus strand). VCF-style: chr7-45085869-G-A. GRCh37 (hg19) VCF-style: chr7-45125468-G-A.
Other names: short protein forms A104V.
Identifiers: ClinVar variation 2341537 (VCV002341537.26), dbSNP rs199865804, ClinGen allele CA4247730.
Genomic context (GRCh38, chr7:45,085,869, plus strand): 5'-TCCTCTCCCATCACAATCCGGGGCTCCAGGGTGGCCGGGAGAGGAGCCTCCGTGGACAGA[G>A]CCTGGGAAGACAGGCCCTCAGGGAGGAGCATGGGGCTTGGGCCGCCCTCCCCTGGGTCCG-3'
Protein context (NP_001139806.1, residues 94-114): MLLPEGLSSQ[Ala104Val]LSTEAPLPAT